The following is an entry in ClinVar:

NM_000370.3(TTPA):c.159G>C (p.Leu53=)

Gene: TTPA (alpha tocopherol transfer protein; minus strand). Cytogenetic location: 8q12.3.
Variant type: single nucleotide variant.
Coding change: c.159G>C on transcript NM_000370.3 (MANE Select); coding-DNA position 159, G replaced by C.
Protein change: p.Leu53=; no amino-acid change (leucine 53 retained).
Molecular consequence: synonymous variant.
Genome position (GRCh38, 1-based): chr8:63,085,863, C>G on the plus strand (G>C on the coding strand, the complement: TTPA is on the minus strand). VCF-style: chr8-63085863-C-G. GRCh37 (hg19) VCF-style: chr8-63998422-C-G.
Identifiers: ClinVar variation 1148216 (VCV001148216.37), dbSNP rs1272550384, ClinGen allele CA461212206.

ClinVar aggregate classification (germline): Likely benign. Review status: criteria provided, multiple submitters, no conflicts (2 of 4 stars). 2 submissions from 2 submitters: Likely benign (2). Last evaluated 2024-10-16.

Allele frequency attached by ClinVar (database versions not stated): TOPMed below 0.00001.
gnomAD v4.1: 68 of 1,535,746 alleles (0.0044%); highest among the groups gnomAD compares: Non-Finnish European, 0.0058%; no homozygotes.

Submissions (2):

Labcorp Genetics (formerly Invitae), Labcorp
Classification: Likely benign. Last evaluated: 2024-10-16. Review status: criteria provided, single submitter. Criteria: Invitae Variant Classification Sherloc (09022015). Collection method: clinical testing. Allele origin: germline.

CeGaT Center for Human Genetics Tuebingen
Classification: Likely benign. Last evaluated: 2023-01-01. Review status: criteria provided, single submitter. Criteria: CeGaT Center For Human Genetics Tuebingen Variant Classification Criteria Version 2. Collection method: clinical testing. Allele origin: germline. Affected: yes. Observed: 1 variant allele.
Comment: TTPA: PM2:Supporting, BP4, BP7